The following is an entry in ClinVar:

ClinVar aggregate classification (germline): Pathogenic (1 of 4 stars; one submission).

Conditions:
Hereditary cancer-predisposing syndrome. Also called: Hereditary Cancer Syndrome; Neoplastic Syndromes, Hereditary; Tumor predisposition; Hereditary neoplastic syndrome. Identifiers: Orphanet 140162, MedGen C0027672, MeSH D009386, MONDO:0015356.

Submission:

Ambry Genetics
Classification: Pathogenic for Hereditary cancer-predisposing syndrome. Last evaluated: 2025-07-15. Review status: criteria provided, single submitter. Criteria: Ambry Variant Classification Scheme 2023. Collection method: clinical testing. Allele origin: germline.
Comment: The c.498delT pathogenic mutation, located in coding exon 4 of the CTNNA1 gene, results from a deletion of one nucleotide at nucleotide position 498, causing a translational frameshift with a predicted alternate stop codon (p.N166Kfs*8). This alteration is expected to result in loss of function by premature protein truncation or nonsense-mediated mRNA decay. As such, this alteration is interpreted as a disease-causing mutation.

NM_001903.5(CTNNA1):c.498del (p.Asn166fs)

Gene: CTNNA1 (catenin alpha 1; plus strand). Cytogenetic location: 5q31.2.
Variant type: Deletion.
Coding change: c.498del on transcript NM_001903.5 (MANE Select); coding-DNA position 498, one base deleted (T; older notation c.498delT).
Protein change: p.Asn166fs; shifts the reading frame from asparagine 166.
Molecular consequence: frameshift variant.
Genome position (GRCh38, 1-based): chr5:138,812,212, T deleted. VCF-style (leftmost placement, unchanged base first): chr5-138812211-AT-A. GRCh37 (hg19) VCF-style: chr5-138147900-AT-A.
Other names: c.498del, p.Asn166fs (NM_001290307.3, NM_001323982.2, NM_001323983.1 and 3 more transcripts); c.189del, p.Asn63fs (NM_001290309.3); c.129del, p.Asn43fs (NM_001290310.3); short protein forms N43fs, N63fs, N166fs.
Identifiers: ClinVar variation 1744577 (VCV001744577.3), dbSNP rs2532348445, ClinGen allele CA2580072865.